The following is an entry in ClinVar:

NM_001127701.1(SERPINA1):c.863A>T (p.Glu288Val)

Gene: SERPINA1 (serpin family A member 1; minus strand). Cytogenetic location: 14q32.13.
Variant type: single nucleotide variant.
Coding change: c.863A>T on transcript NM_001127701.1; coding-DNA position 863, A replaced by T.
Protein change: p.Glu288Val; replaces glutamic acid 288 with valine.
Molecular consequence: missense variant (on NM_000295.5).
Genome position (GRCh38, 1-based): chr14:94,380,925, T>A on the plus strand (A>T on the coding strand, the complement: SERPINA1 is on the minus strand). VCF-style: chr14-94380925-T-A. GRCh37 (hg19) VCF-style: chr14-94847262-T-A.
Other names: E264V; PI*S; SERPINA1, GLU264VAL ON M1V; S; c.863A>T, p.Glu288Val (NM_000295.5, NM_001002235.3, NM_001002236.3 and 8 more transcripts); short protein forms E288V.
Identifiers: ClinVar variation 17969 (VCV000017969.107), dbSNP rs17580, ClinGen allele CA127679.

ClinVar aggregate classification (germline): Pathogenic/Pathogenic, low penetrance; other. Review status: criteria provided, multiple submitters, no conflicts (2 of 4 stars). 34 submissions from 34 submitters: Pathogenic (22); Pathogenic, low penetrance (1). 10 of the submissions do not count toward it. Last evaluated 2026-08-25.

Conditions:
Autosomal recessive SERPINA1-related disorders.
Susceptibility to severe coronavirus disease (COVID-19). Also called: Susceptibility to severe coronavirus disease COVID-19.
SERPINA1-related disorder. Also called: SerpinA1-related disorders; SERPINA1-related condition.
Inborn genetic diseases. Identifiers: MedGen C0950123, MeSH D030342.
Alpha-1-antitrypsin deficiency (A1ATD). Also called: AAT deficiency; A1AT deficiency; Alpha1-Antitrypsin Deficiency. Identifiers: Orphanet 60, MedGen C0221757, MONDO:0013282, OMIM 613490.
Chronic obstructive pulmonary disease. Also called: Chronic pulmonary obstruction. Identifiers: MedGen C0024117, MeSH D029424, MONDO:0005002, OMIM 606963, HP:0006510.
PI S.
Cystic fibrosis (CF). Also called: MUCOVISCIDOSIS. Identifiers: Orphanet 586, MedGen C0010674, MONDO:0009061, OMIM 219700. Disease mechanism: loss of function.

Allele frequency attached by ClinVar (database versions not stated): ExAC 0.02007; gnomAD exomes 0.02330 and 0.03736; 1000 Genomes Project 0.01957; 1000 Genomes Project 30x 0.02108; gnomAD 0.02950 and 0.02788; TOPMed 0.03252.
gnomAD v4.1: 58,691 of 1,614,182 alleles (3.6%); highest among the groups gnomAD compares: Non-Finnish European, 4.5%; 1,342 homozygotes.

Submissions 1 to 9 of 54:

PreventionGenetics, part of Exact Sciences
Classification: Pathogenic for SERPINA1-related condition. Last evaluated: 2026-08-25. Review status: criteria provided, single submitter. Criteria: ACMG Guidelines, 2015. Collection method: clinical testing. Allele origin: germline.
Comment: The SERPINA1 c.863A>T variant is predicted to result in the amino acid substitution p.Glu288Val. This variant is a well-documented pathogenic allele resulting in functionally-deficient alpha-1 antitrypsin (AAT) protein (also known as the S allele using legacy nomenclature; Abboud et al. 2011. PubMed ID: 23776367, reported as Glu264Val; GeneReviews, Stoller et al. 2006. [UPDATE 2023]. PubMed ID: 20301692). This particular variant is observed at a high frequency in unaffected individuals, and only expected to cause disease when found in trans (on the opposite chromosome) with a second more damaging variant in this gene (Ferrarotti et al. 2012. PubMed ID: 22426792). This variant is interpreted as pathogenic.

CeGaT Center for Human Genetics Tuebingen
Classification: Pathogenic. Last evaluated: 2026-08-01. Review status: criteria provided, single submitter. Criteria: CeGaT Center For Human Genetics Tuebingen Variant Classification Criteria Version 2. Collection method: clinical testing. Allele origin: germline. Affected: yes. Observed: 16 variant alleles.
Comment: SERPINA1: PM3:Very Strong, PP4:Moderate, PS3:Moderate, PM2:Supporting, PP3

OLLIN Analises Genomicas, OLLIN
Classification: Pathogenic for Alpha-1-antitrypsin deficiency. Last evaluated: 2026-02-13. Review status: criteria provided, single submitter. Criteria: ACMG Guidelines 2015 PMID 25741868. Collection method: clinical testing. Allele origin: germline. Observed: 7 variant alleles.
Comment: PS3, PM3_VS, PP3

Labcorp Genetics (formerly Invitae), Labcorp
Classification: Pathogenic, low penetrance for Alpha-1-antitrypsin deficiency. Last evaluated: 2026-02-03. Review status: criteria provided, single submitter. Criteria: Invitae Variant Classification Sherloc (09022015). Collection method: clinical testing. Allele origin: germline.
Comment: This sequence change replaces glutamic acid, which is acidic and polar, with valine, which is neutral and non-polar, at codon 288 of the SERPINA1 protein (p.Glu288Val). This variant is present in population databases (rs17580, gnomAD 4%), and has an allele count higher than expected for a pathogenic variant. This variant, also referred as PI*S allele or S allele, is a common variant associated with alpha-1 antitrypsin deficiency (AATD). Individuals with AATD have an increased risk for developing pulmonary disease such as chronic obstructive pulmonary disease (COPD) or emphysema. This variant is reported to confer an emphysema risk of 20-50% in individuals when present with a pathogenic PI*Z allele or Z allele (p.Glu366Lys), while in individuals when present as a homozygote or heterozygote it does not confer a risk (PMID: 1889260, 15978931, 22933512, 23632999). This variant is also known as p.Glu264Val in the literature. ClinVar contains an entry for this variant (Variation ID: 17969). Invitae Evidence Modeling of protein sequence and biophysical properties (such as structural, functional, and spatial information, amino acid conservation, physicochemical variation, residue mobility, and thermodynamic stability) has been performed for this missense variant. However, the output from this modeling did not meet the statistical confidence thresholds required to predict the impact of this variant on SERPINA1 protein function. Experimental studies have shown that this variant results in reduced secretion of alpha-1 antitrypsin due to intracellular degradation in vitro (PMID: 2567291), and causes lower expression as well as secretion in blood (PMID: 2567291, 22426792). In summary, this variant is reported to cause disease. However, as this variant is associated with a lower penetrance than other pathogenic alleles in the SERPINA1 gene, it has been classified as Pathogenic (low penetrance).

Mayo Clinic Laboratories, Mayo Clinic
Classification: Pathogenic. Last evaluated: 2025-09-03. Review status: criteria provided, single submitter. Criteria: ACMG Guidelines, 2015. Collection method: clinical testing. Allele origin: germline. Observed: 26 variant alleles.

Institute of Human Genetics, University of Leipzig Medical Center
Classification: Pathogenic for Alpha-1-antitrypsin deficiency. Last evaluated: 2025-08-06. Review status: criteria provided, single submitter. Criteria: ACMG Guidelines, 2015. Collection method: clinical testing. Allele origin: unknown. Inheritance: Autosomal recessive inheritance. Affected: yes.
Comment: Criteria applied: PM3_VSTR,PS3_MOD,PP3; Identified as compund heterozygous with NM_000295.5:c.1096G>A

3billion
Classification: Pathogenic for Alpha-1-antitrypsin deficiency. Last evaluated: 2025-07-02. Review status: criteria provided, single submitter. Criteria: ACMG Guidelines, 2015. Collection method: clinical testing. Allele origin: germline. Affected: yes.
Comment: The variant is observed as homozygous in at least two unrelated individuals/adults in the gnomAD v4.1.0 dataset. Predicted Consequence/Location: Missense variant In silico tool predictions suggest damaging effect of the variant on gene or gene product [REVEL: 0.69 (>=0.6, sensitivity 0.68 and specificity 0.92); 3Cnet: 0.89 (> 0.75, sensitivity 0.96 and precision 0.92)]. The same nucleotide change resulting in the same amino acid change has been previously reported as pathogenic/likely pathogenic with strong evidence (ClinVar ID: VCV000017969 /PMID: 2567291). Therefore, this variant is classified as Pathogenic according to the recommendation of ACMG/AMP guideline.

Variantyx, Inc.
Classification: Pathogenic for Autosomal recessive SERPINA1-related disorders. Last evaluated: 2025-03-25. Review status: criteria provided, single submitter. Criteria: Variantyx Assertion Criteria 2022. Collection method: clinical testing. Allele origin: germline.
Comment: This is a nonsynonymous variant in the SERPINA1 gene (OMIM: 107400). Pathogenic variants in this gene have been associated with autosomal recessive SERPINA1-related disorders. This variant, also known as the PI*S allele, has been identified in the compound heterozygous state in several individual(s) from the published literature (PMID: 25637381, 8970361, 15744045, 29882371), and in previous internal cases (PM3_Very_Strong). Functional studies have shown that this variant alters SERPINA1 protein function (PMID: 2567291, 10194472, 28927525, 29538751, 29882371) (PS3). Multiple computational algorithms predict a deleterious effect for this variant (REVEL score: 0.692) (PP3). This variant has a 4.4662% maximum allele frequency in control populations (gnomAD) (BS1). Based on the current evidence, this variant is classified as pathogenic for autosomal recessive SERPINA1-related disorders.

Ambry Genetics
Classification: Pathogenic for Inborn genetic diseases. Last evaluated: 2023-10-27. Review status: criteria provided, single submitter. Criteria: Ambry Variant Classification Scheme 2023. Collection method: clinical testing. Allele origin: germline.
Comment: The c.863A>T (p.E288V) alteration is located in exon 3 (coding exon 2) of the SERPINA1 gene. This alteration results from a A to T substitution at nucleotide position 863, causing the glutamic acid (E) at amino acid position 288 to be replaced by a valine (V). Based on data from gnomAD, the T allele has an overall frequency of 2.335% (6606/282868) total alleles studied. The highest observed frequency was 3.668% (4738/129176) of European (non-Finnish) alleles. This mutation comprises the common deficiency allele PI*S. The risk of alpha-1-antitrypsin (AAT) deficiency symptoms due to this mutation is dependent upon the genotype, serum AAT levels, and exposure to environmental risk factors (K&ouml;hnlein, 2008; Stoller, 1993). In vitro studies demonstrate that this mutant allele results in reduced AAT levels due to intracellular degradation and decreased secretion of the protein (Curiel, 1989). The in silico prediction for this alteration is inconclusive. Based on the available evidence, this alteration is classified as pathogenic.